The following is an entry in ClinVar:

ClinVar aggregate classification (germline): Uncertain significance (1 of 4 stars; one submission).

Conditions:
Cryopyrin associated periodic syndrome (CAPS). Identifiers: Orphanet 208650, MedGen C2316212, MONDO:0016168.

Allele frequency attached by ClinVar (database versions not stated): gnomAD exomes below 0.00001.
gnomAD v4.1: 2 of 1,614,148 alleles (0.00012%); highest among the groups gnomAD compares: Non-Finnish European, 0.000085%; no homozygotes.

Submission:

Labcorp Genetics (formerly Invitae), Labcorp
Classification: Uncertain significance for Cryopyrin associated periodic syndrome. Last evaluated: 2020-02-22. Review status: criteria provided, single submitter. Criteria: Invitae Variant Classification Sherloc (09022015). Collection method: clinical testing. Allele origin: germline.
Comment: This sequence change replaces tyrosine with phenylalanine at codon 632 of the NLRP3 protein (p.Tyr632Phe). The tyrosine residue is highly conserved and there is a small physicochemical difference between tyrosine and phenylalanine. This variant is not present in population databases (ExAC no frequency). This variant has not been reported in the literature in individuals with NLRP3-related disease. Algorithms developed to predict the effect of missense changes on protein structure and function are either unavailable or do not agree on the potential impact of this missense change (SIFT: "Tolerated"; PolyPhen-2: "Probably Damaging"; Align-GVGD: "Class C0"). In summary, the available evidence is currently insufficient to determine the role of this variant in disease. Therefore, it has been classified as a Variant of Uncertain Significance.

NM_001243133.2(NLRP3):c.1889A>T (p.Tyr630Phe)

Gene: NLRP3 (NLR family pyrin domain containing 3; plus strand). Cytogenetic location: 1q44.
Variant type: single nucleotide variant.
Coding change: c.1889A>T on transcript NM_001243133.2 (MANE Select); coding-DNA position 1889, A replaced by T.
Protein change: p.Tyr630Phe; replaces tyrosine 630 with phenylalanine.
Molecular consequence: missense variant.
Genome position (GRCh38, 1-based): chr1:247,425,338, A>T. VCF-style: chr1-247425338-A-T. GRCh37 (hg19) VCF-style: chr1-247588640-A-T.
Other names: c.1889A>T, p.Tyr630Phe (NM_001079821.3, NM_001127461.3, NM_001127462.3 and 1 more transcripts); c.1895A>T, p.Tyr632Phe (NM_004895.5); short protein forms Y630F, Y632F.
Identifiers: ClinVar variation 654858 (VCV000654858.10), dbSNP rs1572173465, ClinGen allele CA345558046.
Genomic context (GRCh38, chr1:247,425,338, plus strand): 5'-TTGAAGTGAAAGCCAAAGCTAAAAAGCTGCAGATCCAGCCCAGCCAGCTGGAATTGTTCT[A>T]CTGTTTGTACGAGATGCAGGAGGAGGACTTCGTGCAAAGGGCCATGGACTATTTCCCCAA-3'
Protein context (NP_001230062.1, residues 620-640): QIQPSQLELF[Tyr630Phe]CLYEMQEEDF